The following is an entry in ClinVar:

ClinVar aggregate classification (germline): Conflicting classifications of pathogenicity. Review status: criteria provided, conflicting classifications (1 of 4 stars). 4 submissions from 4 submitters: Uncertain significance (3); Likely benign (1). Last evaluated 2025-11-23.

Conditions:
Collagen 6-related myopathy. Identifiers: MedGen CN117976, MONDO:0100225.
Bethlem myopathy 1A. Also called: MYOPATHY, BENIGN CONGENITAL, WITH CONTRACTURES; Bethlem myopathy 1; Bethlem Muscular Dystrophy. Identifiers: Orphanet 610, MedGen CN029274, MONDO:0024530, OMIM 158810.

Allele frequency attached by ClinVar (database versions not stated): gnomAD exomes 0.00002; TOPMed 0.00003; gnomAD 0.00005; ESP Exome Variant Server 0.00008.
gnomAD v4.1: 46 of 1,614,214 alleles (0.0028%); highest among the groups gnomAD compares: Non-Finnish European, 0.0037%; no homozygotes.

Submissions (4):

Labcorp Genetics (formerly Invitae), Labcorp
Classification: Likely benign for Bethlem myopathy 1A. Last evaluated: 2025-11-23. Review status: criteria provided, single submitter. Criteria: Invitae Variant Classification Sherloc (09022015). Collection method: clinical testing. Allele origin: germline.

Revvity Omics, Revvity
Classification: Uncertain significance. Last evaluated: 2023-08-16. Review status: criteria provided, single submitter. Criteria: ACMG Guidelines, 2015. Collection method: clinical testing. Allele origin: germline.

GeneDx
Classification: Uncertain significance. Last evaluated: 2023-01-20. Review status: criteria provided, single submitter. Criteria: GeneDx Variant Classification Process June 2021. Collection method: clinical testing. Allele origin: germline. Affected: yes.
Comment: Not observed at significant frequency in large population cohorts (gnomAD); In silico analysis supports that this missense variant has a deleterious effect on protein structure/function; Identified via exome sequencing in a patient with suspected muscle disease but detailed clinical information and segregation were not provided (Topf et al., 2020); This variant is associated with the following publications: (PMID: 32528171)

Illumina Laboratory Services, Illumina
Classification: Uncertain significance for Collagen VI-related myopathy. Last evaluated: 2018-01-12. Review status: criteria provided, single submitter. Criteria: ICSL Variant Classification Criteria 13 December 2019. Collection method: clinical testing. Allele origin: germline.

NM_004369.4(COL6A3):c.4504G>A (p.Ala1502Thr)

Gene: COL6A3 (collagen type VI alpha 3 chain; minus strand). Cytogenetic location: 2q37.3.
Variant type: single nucleotide variant.
Coding change: c.4504G>A on transcript NM_004369.4 (MANE Select); coding-DNA position 4504, G replaced by A.
Protein change: p.Ala1502Thr; replaces alanine 1502 with threonine.
Molecular consequence: missense variant.
Genome position (GRCh38, 1-based): chr2:237,368,959, C>T on the plus strand (G>A on the coding strand, the complement: COL6A3 is on the minus strand). VCF-style: chr2-237368959-C-T. GRCh37 (hg19) VCF-style: chr2-238277602-C-T.
Other names: c.2683G>A, p.Ala895Thr (NM_057166.5); c.3886G>A, p.Ala1296Thr (NM_057167.4); short protein forms A1502T, A1296T, A895T.
Identifiers: ClinVar variation 452912 (VCV000452912.20), dbSNP rs201722265, ClinGen allele CA67816612.
Genomic context (GRCh38, chr2:237,368,959, plus strand): 5'-ATTCGAGAGCCTTGCCAGTGTTCAGTGGGGACCCCCCTCTGAGCCTCAGGCGCCGTATGG[C>T]GTCCAGCACCGGGGCCTGGGATCTGTAGGTTTTCAGATAGAATTCTGGGAAGACATCATT-3'
Protein context (NP_004360.2, residues 1492-1512): TYRSQAPVLD[Ala1502Thr]IRRLRLRGGS